The following is an entry in ClinVar:

ClinVar aggregate classification (germline): Uncertain significance (1 of 4 stars; one submission).

Conditions:
GLUT1 deficiency syndrome 1, autosomal recessive. Identifiers: MedGen C3149117.

Submission:

Labcorp Genetics (formerly Invitae), Labcorp
Classification: Uncertain significance for GLUT1 deficiency syndrome 1, autosomal recessive. Last evaluated: 2016-01-10. Review status: criteria provided, single submitter. Criteria: Invitae Variant Classification Sherloc (09022015). Collection method: clinical testing. Allele origin: germline.
Comment: This variant is not present in population databases (ExAC no frequency) and has not been reported in the literature in individuals with a SLC2A1-related disease. This sequence change replaces valine with phenylalanine at codon 49 of the SLC2A1 protein (p.Val49Phe). The valine residue is weakly conserved and there is a small physicochemical difference between valine and phenylalanine. Algorithms developed to predict the effect of missense changes on protein structure and function (SIFT, PolyPhen-2, Align-GVGD) all suggest that this variant is likely to be tolerated, but these predictions have not been confirmed by published functional studies. In addition, the phenylalanine amino acid residue is found in multiple mammalian species, suggesting that this missense change does not adversely affect protein function. In summary, this is a novel missense change that is not predicted to affect protein function or cause disease. However, the evidence is insufficient at this time to prove that conclusively. It has been classified as a Variant of Uncertain Significance.

NM_006516.4(SLC2A1):c.145G>T (p.Val49Phe)

Gene: SLC2A1 (solute carrier family 2 member 1; minus strand). Cytogenetic location: 1p34.2.
Variant type: single nucleotide variant.
Coding change: c.145G>T on transcript NM_006516.4 (MANE Select); coding-DNA position 145, G replaced by T.
Protein change: p.Val49Phe; replaces valine 49 with phenylalanine.
Molecular consequence: missense variant.
Genome position (GRCh38, 1-based): chr1:42,931,176, C>A on the plus strand (G>T on the coding strand, the complement: SLC2A1 is on the minus strand). VCF-style: chr1-42931176-C-A. GRCh37 (hg19) VCF-style: chr1-43396847-C-A.
Other names: short protein forms V49F.
Identifiers: ClinVar variation 240684 (VCV000240684.9), dbSNP rs878854904, ClinGen allele CA10581792.